The following is an entry in ClinVar:

NM_001244008.2(KIF1A):c.4776C>A (p.Asp1592Glu)

Gene: KIF1A (kinesin family member 1A; minus strand). Cytogenetic location: 2q37.3.
Variant type: single nucleotide variant.
Coding change: c.4776C>A on transcript NM_001244008.2 (MANE Select); coding-DNA position 4776, C replaced by A.
Protein change: p.Asp1592Glu; replaces aspartic acid 1592 with glutamic acid.
Molecular consequence: missense variant.
Genome position (GRCh38, 1-based): chr2:240,721,006, G>T on the plus strand (C>A on the coding strand, the complement: KIF1A is on the minus strand). VCF-style: chr2-240721006-G-T. GRCh37 (hg19) VCF-style: chr2-241660423-G-T.
Other names: c.4500C>A, p.Asp1500Glu (NM_001320705.2, NM_001379649.1); c.4527C>A, p.Asp1509Glu (NM_001330289.2); c.4575C>A, p.Asp1525Glu (NM_001330290.2, NM_001379648.1); c.4851C>A, p.Asp1617Glu (NM_001379631.1); c.4752C>A, p.Asp1584Glu (NM_001379632.1); c.4749C>A, p.Asp1583Glu (NM_001379633.1, NM_001379645.1); c.4602C>A, p.Asp1534Glu (NM_001379634.1); c.4599C>A, p.Asp1533Glu (NM_001379635.1, NM_001379646.1); and 7 more; short protein forms D1500E, D1509E, D1534E, D1529E, D1592E, D1490E, D1499E, D1508E.
Identifiers: ClinVar variation 2947568 (VCV002947568.3), dbSNP rs1352929519, ClinGen allele CA351301915.
Genomic context (GRCh38, chr2:240,721,006, plus strand): 5'-CAGAGAGGGGCAAGTGGAGGAGGGGGTGAGAGTGGCCACCCCTAGAGGGGACATCGACGG[G>T]TCCCGGAGCAGGGTGACAGACATCTCGGAGAGCTGCGGAGGAGAGGCCTTTTTCAGGGGA-3'
Protein context (NP_001230937.1, residues 1582-1602): LSEMSVTLLR[Asp1592Glu]PSMSPLGVAT

ClinVar aggregate classification (germline): Uncertain significance (1 of 4 stars; one submission).

Conditions:
Neuropathy, hereditary sensory, type 2C. Also called: KIF1A-Related HSAN2 (HSAN2C); Hereditary sensory and autonomic neuropathy type IIC. Identifiers: Orphanet 970, MedGen C3280168, MONDO:0013634, OMIM 614213.
Hereditary spastic paraplegia 30. Identifiers: Orphanet 101010, MedGen C5235139, MONDO:0012476.
Intellectual disability, autosomal dominant 9 (NESCAVS). Also called: NESCAV SYNDROME; KIF1A-Related Neurodevelopmental Disorder. Identifiers: Orphanet 662367, MedGen C5393830, MONDO:0013656, OMIM 614255.

Submission:

Labcorp Genetics (formerly Invitae), Labcorp
Classification: Uncertain significance for Hereditary spastic paraplegia 30; Neuropathy, hereditary sensory, type 2C; Intellectual disability, autosomal dominant 9. Last evaluated: 2023-12-07. Review status: criteria provided, single submitter. Criteria: Invitae Variant Classification Sherloc (09022015). Collection method: clinical testing. Allele origin: germline.
Comment: This sequence change replaces aspartic acid, which is acidic and polar, with glutamic acid, which is acidic and polar, at codon 1491 of the KIF1A protein (p.Asp1491Glu). This variant is not present in population databases (gnomAD no frequency). This variant has not been reported in the literature in individuals affected with KIF1A-related conditions. Advanced modeling of protein sequence and biophysical properties (such as structural, functional, and spatial information, amino acid conservation, physicochemical variation, residue mobility, and thermodynamic stability) performed at Invitae indicates that this missense variant is not expected to disrupt KIF1A protein function with a negative predictive value of 95%. In summary, the available evidence is currently insufficient to determine the role of this variant in disease. Therefore, it has been classified as a Variant of Uncertain Significance.